The following is an entry in ClinVar:

ClinVar aggregate classification (germline): Uncertain significance (1 of 4 stars; one submission).

Conditions:
Inborn genetic diseases. Identifiers: MedGen C0950123, MeSH D030342.

Submission:

Ambry Genetics
Classification: Uncertain significance for Inborn genetic diseases. Last evaluated: 2024-09-20. Review status: criteria provided, single submitter. Criteria: Ambry Variant Classification Scheme 2023. Collection method: clinical testing. Allele origin: germline.
Comment: The c.296G>A (p.G99D) alteration is located in exon 1 (coding exon 1) of the TBR1 gene. This alteration results from a G to A substitution at nucleotide position 296, causing the glycine (G) at amino acid position 99 to be replaced by an aspartic acid (D). This allele was reported in one heterozygous individual in population-based cohorts in the Genome Aggregation Database (gnomAD). This amino acid position is highly conserved in available vertebrate species. The in silico prediction for this alteration is inconclusive. Based on insufficient or conflicting evidence, the clinical significance of this alteration remains unclear.

NM_006593.4(TBR1):c.296G>A (p.Gly99Asp)

Gene: TBR1 (T-box brain transcription factor 1; plus strand). Cytogenetic location: 2q24.2.
Variant type: single nucleotide variant.
Coding change: c.296G>A on transcript NM_006593.4 (MANE Select); coding-DNA position 296, G replaced by A.
Protein change: p.Gly99Asp; replaces glycine 99 with aspartic acid.
Molecular consequence: missense variant.
Genome position (GRCh38, 1-based): chr2:161,416,706, G>A. VCF-style: chr2-161416706-G-A. GRCh37 (hg19) VCF-style: chr2-162273217-G-A.
Other names: short protein forms G99D.
Identifiers: ClinVar variation 3453782 (VCV003453782.1).